The following is an entry in ClinVar:

NM_001854.4(COL11A1):c.1942G>A (p.Ala648Thr)

Gene: COL11A1 (collagen type XI alpha 1 chain; minus strand). Cytogenetic location: 1p21.1.
Variant type: single nucleotide variant.
Coding change: c.1942G>A on transcript NM_001854.4 (MANE Select); coding-DNA position 1942, G replaced by A.
Protein change: p.Ala648Thr; replaces alanine 648 with threonine.
Molecular consequence: missense variant. On other transcripts: non-coding transcript variant (1).
Genome position (GRCh38, 1-based): chr1:103,004,446, C>T on the plus strand (G>A on the coding strand, the complement: COL11A1 is on the minus strand). VCF-style: chr1-103004446-C-T. GRCh37 (hg19) VCF-style: chr1-103470002-C-T.
Other names: c.1825G>A, p.Ala609Thr (NM_001190709.2); c.1978G>A, p.Ala660Thr (NM_080629.3); c.1594G>A, p.Ala532Thr (NM_080630.4); short protein forms A648T, A660T, A532T, A609T.
Identifiers: ClinVar variation 3651691 (VCV003651691.2).

ClinVar aggregate classification (germline): Uncertain significance (1 of 4 stars; one submission).

Submission:

Labcorp Genetics (formerly Invitae), Labcorp
Classification: Uncertain significance. Last evaluated: 2024-04-30. Review status: criteria provided, single submitter. Criteria: Invitae Variant Classification Sherloc (09022015). Collection method: clinical testing. Allele origin: germline.
Comment: This sequence change replaces alanine, which is neutral and non-polar, with threonine, which is neutral and polar, at codon 648 of the COL11A1 protein (p.Ala648Thr). This variant is not present in population databases (gnomAD no frequency). This variant has not been reported in the literature in individuals affected with COL11A1-related conditions. Experimental studies and prediction algorithms are not available or were not evaluated, and the functional significance of this variant is currently unknown. In summary, the available evidence is currently insufficient to determine the role of this variant in disease. Therefore, it has been classified as a Variant of Uncertain Significance.